The following is an entry in ClinVar:

ClinVar aggregate classification (germline): Benign/Likely benign. Review status: criteria provided, multiple submitters, no conflicts (2 of 4 stars). 4 submissions from 4 submitters: Benign (1); Likely benign (3). Last evaluated 2025-09-17.

Conditions:
Familial cancer of breast. Also called: BREAST CANCER, FAMILIAL; Hereditary breast cancer; hereditary breast carcinoma. Identifiers: Orphanet 227535, MedGen C0346153, MONDO:0016419, OMIM 114480. Disease mechanism: loss of function.
Hereditary cancer-predisposing syndrome. Also called: Neoplastic Syndromes, Hereditary; Tumor predisposition; Hereditary Cancer Syndrome; Hereditary neoplastic syndrome. Identifiers: Orphanet 140162, MedGen C0027672, MeSH D009386, MONDO:0015356.

Allele frequency attached by ClinVar (database versions not stated): gnomAD exomes below 0.00001; TOPMed below 0.00001.
gnomAD v4.1: 1 of 1,614,110 alleles (0.000062%); highest among the groups gnomAD compares: Non-Finnish European, 0.000085%; no homozygotes.

Submissions (4):

Ambry Genetics
Classification: Likely benign for Hereditary cancer-predisposing syndrome. Last evaluated: 2025-09-17. Review status: criteria provided, single submitter. Criteria: Ambry Variant Classification Scheme 2023. Collection method: clinical testing. Allele origin: germline.

Labcorp Genetics (formerly Invitae), Labcorp
Classification: Likely benign for Familial cancer of breast. Last evaluated: 2024-11-23. Review status: criteria provided, single submitter. Criteria: Invitae Variant Classification Sherloc (09022015). Collection method: clinical testing. Allele origin: germline.

Myriad Genetics, Inc.
Classification: Benign for Familial cancer of breast. Last evaluated: 2024-07-25. Review status: criteria provided, single submitter. Criteria: Myriad Autosomal Dominant, Autosomal Recessive and X-Linked Classification Criteria (2023). Collection method: clinical testing. Allele origin: unknown.
Comment: This variant is considered benign. This variant is a silent/synonymous amino acid change and it is not expected to impact splicing.

Color Diagnostics, LLC DBA Color Health
Classification: Likely benign for Hereditary cancer-predisposing syndrome. Last evaluated: 2019-03-28. Review status: criteria provided, single submitter. Criteria: ACMG Guidelines, 2015. Collection method: clinical testing. Allele origin: germline.

NM_000465.4(BARD1):c.1500T>C (p.Asp500=)

Gene: BARD1 (BRCA1 associated RING domain 1; minus strand). Cytogenetic location: 2q35.
Variant type: single nucleotide variant.
Coding change: c.1500T>C on transcript NM_000465.4 (MANE Select); coding-DNA position 1500, T replaced by C.
Protein change: p.Asp500=; no amino-acid change (aspartic acid 500 retained).
Molecular consequence: synonymous variant. On other transcripts: non-coding transcript variant (3), intron variant (3).
Genome position (GRCh38, 1-based): chr2:214,767,550, A>G on the plus strand (T>C on the coding strand, the complement: BARD1 is on the minus strand). VCF-style: chr2-214767550-A-G. GRCh37 (hg19) VCF-style: chr2-215632274-A-G.
Other names: c.1443T>C, p.Asp481= (NM_001282543.2); c.159-14995T>C (NM_001282548.2); c.216-14995T>C (NM_001282545.2); c.364+24747T>C (NM_001282549.2); c.1500T>C (NM_000465.2).
Identifiers: ClinVar variation 919188 (VCV000919188.14), dbSNP rs1694266892, ClinGen allele CA431129356.